The following is an entry in ClinVar:

ClinVar aggregate classification (germline): Uncertain significance. Review status: criteria provided, multiple submitters, no conflicts (2 of 4 stars). 2 submissions from 2 submitters: Uncertain significance (2). Last evaluated 2023-08-22.

Conditions:
Tumoral calcinosis, hyperphosphatemic, familial, 3. Identifiers: MedGen C4693864, MONDO:0060715, OMIM 617994.

Allele frequency attached by ClinVar (database versions not stated): ExAC 0.00001; gnomAD 0.00001; gnomAD exomes 0.00002; TOPMed 0.00002.
gnomAD v4.1: 32 of 1,614,078 alleles (0.002%); highest among the groups gnomAD compares: Non-Finnish European, 0.0026%; no homozygotes.

Submissions (2):

Labcorp Genetics (formerly Invitae), Labcorp
Classification: Uncertain significance. Last evaluated: 2023-08-22. Review status: criteria provided, single submitter. Criteria: Invitae Variant Classification Sherloc (09022015). Collection method: clinical testing. Allele origin: germline.
Comment: In summary, the available evidence is currently insufficient to determine the role of this variant in disease. Therefore, it has been classified as a Variant of Uncertain Significance. Advanced modeling of protein sequence and biophysical properties (such as structural, functional, and spatial information, amino acid conservation, physicochemical variation, residue mobility, and thermodynamic stability) performed at Invitae indicates that this missense variant is expected to disrupt KL protein function. ClinVar contains an entry for this variant (Variation ID: 883028). This variant has not been reported in the literature in individuals affected with KL-related conditions. This variant is present in population databases (rs750440983, gnomAD 0.004%). This sequence change replaces phenylalanine, which is neutral and non-polar, with leucine, which is neutral and non-polar, at codon 519 of the KL protein (p.Phe519Leu).

Illumina Laboratory Services, Illumina
Classification: Uncertain significance for Tumoral calcinosis, hyperphosphatemic, familial, 3. Last evaluated: 2018-01-13. Review status: criteria provided, single submitter. Criteria: ICSL Variant Classification Criteria 13 December 2019. Collection method: clinical testing. Allele origin: germline.

NM_004795.4(KL):c.1557T>A (p.Phe519Leu)

Gene: KL (klotho; plus strand). Cytogenetic location: 13q13.1.
Variant type: single nucleotide variant.
Coding change: c.1557T>A on transcript NM_004795.4 (MANE Select); coding-DNA position 1557, T replaced by A.
Protein change: p.Phe519Leu; replaces phenylalanine 519 with leucine.
Molecular consequence: missense variant.
Genome position (GRCh38, 1-based): chr13:33,055,273, T>A. VCF-style: chr13-33055273-T-A. GRCh37 (hg19) VCF-style: chr13-33629410-T-A.
Other names: short protein forms F519L.
Identifiers: ClinVar variation 883028 (VCV000883028.8), dbSNP rs750440983, ClinGen allele CA6944119.